The following is an entry in ClinVar:

NM_144596.4(TTC8):c.106dup (p.Tyr36fs)

Gene: TTC8 (tetratricopeptide repeat domain 8; plus strand). Cytogenetic location: 14q31.3.
Variant type: Duplication.
Coding change: c.106dup on transcript NM_144596.4 (MANE Select); coding-DNA position 106, one base duplicated (T; older notation c.106dupT).
Protein change: p.Tyr36fs; shifts the reading frame from tyrosine 36.
Molecular consequence: frameshift variant. On other transcripts: non-coding transcript variant (1), 5 prime UTR variant (2).
Genome position (GRCh38, 1-based): chr14:88,824,813, T duplicated; the last of 2 consecutive T bases (chr14:88,824,812-88,824,813); duplicating either gives the same sequence. VCF-style (leftmost placement, unchanged base first): chr14-88824811-C-CT. GRCh37 (hg19) VCF-style: chr14-89291155-C-CT.
Other names: c.106dup, p.Tyr36fs (NM_198309.3, NM_198310.3, NM_001366535.2 and 2 more transcripts); c.-457dup (NM_001288782.1); c.-552dup (NM_001288783.1); short protein forms Y36fs.
Identifiers: ClinVar variation 1431284 (VCV001431284.6), dbSNP rs2094691095, ClinGen allele CA2153767980.

ClinVar aggregate classification (germline): Pathogenic (1 of 4 stars; one submission).

Conditions:
Bardet-Biedl syndrome (BBS). Identifiers: Orphanet 110, MedGen C0752166, MONDO:0015229.

Submission:

Labcorp Genetics (formerly Invitae), Labcorp
Classification: Pathogenic for Bardet-Biedl syndrome. Last evaluated: 2022-02-24. Review status: criteria provided, single submitter. Criteria: Invitae Variant Classification Sherloc (09022015). Collection method: clinical testing. Allele origin: germline.
Comment: For these reasons, this variant has been classified as Pathogenic. This variant has not been reported in the literature in individuals affected with TTC8-related conditions. This variant is not present in population databases (gnomAD no frequency). This sequence change creates a premature translational stop signal (p.Tyr36Leufs*2) in the TTC8 gene. It is expected to result in an absent or disrupted protein product. Loss-of-function variants in TTC8 are known to be pathogenic (PMID: 16308660, 16877420, 19797195, 21052717, 30886724).

Literature cited by the submitters: PubMed 16308660; PubMed 16877420; PubMed 19797195; PubMed 21052717; PubMed 30886724.